The following is an entry in ClinVar:

NM_212482.4(FN1):c.6456_6458delinsTTATGCCTAAAGTGGTTTTAG (p.Pro2153delinsTyrAlaTer)

Gene: FN1 (fibronectin 1; minus strand). Cytogenetic location: 2q35.
Variant type: Indel.
Coding change: c.6456_6458delinsTTATGCCTAAAGTGGTTTTAG on transcript NM_212482.4 (MANE Select); coding-DNA positions 6456 to 6458, ACC replaced by TTATGCCTAAAGTGGTTTTAG.
Protein change: p.Pro2153delinsTyrAlaTer.
Molecular consequence: nonsense. On other transcripts: intron variant (3).
Genome position (GRCh38, 1-based): chr2:215,372,165-215,372,167, GGT replaced by CTAAAACCACTTTAGGCATAA on the plus strand (ACC replaced by TTATGCCTAAAGTGGTTTTAG on the coding strand, the reverse complement: FN1 is on the minus strand). VCF-style: chr2-215372165-GGT-CTAAAACCACTTTAGGCATAA. GRCh37 (hg19) VCF-style: chr2-216236888-GGT-CTAAAACCACTTTAGGCATAA.
Other names: c.6456_6458delinsTTATGCCTAAAGTGGTTTTAG (NM_212482.2); c.6456_6458delinsTTATGCCTAAAGTGGTTTTAG, p.Pro2153delinsTyrAlaTer (NM_001306129.2); c.5913_5915delinsTTATGCCTAAAGTGGTTTTAG, p.Pro1972delinsTyrAlaTer (NM_001306131.2, NM_212476.3); c.5838_5840delinsTTATGCCTAAAGTGGTTTTAG, p.Pro1947delinsTyrAlaTer (NM_001306132.2, NM_001365523.2); c.6186_6188delinsTTATGCCTAAAGTGGTTTTAG, p.Pro2063delinsTyrAlaTer (NM_001365517.2, NM_001365521.2); c.6183_6185delinsTTATGCCTAAAGTGGTTTTAG, p.Pro2062delinsTyrAlaTer (NM_001365518.2, NM_002026.4); c.6111_6113delinsTTATGCCTAAAGTGGTTTTAG, p.Pro2038delinsTyrAlaTer (NM_001365519.2, NM_001365522.2); c.6108_6110delinsTTATGCCTAAAGTGGTTTTAG, p.Pro2037delinsTyrAlaTer (NM_001365520.2, NM_212478.3); and 3 more.
Identifiers: ClinVar variation 2754001 (VCV002754001.5), dbSNP rs2469327799, ClinGen allele CA2697550415.
Genomic context (GRCh38, chr2:215,372,165, plus strand): 5'-TCACCTACATTCGGCGGGTATGGTCTTGGCCTATGCCTTATGGGGGTGGCCGTTGTGGGC[GGT>CTAAAACCACTTTAGGCATAA]GTGGTCCGCCTAAAACCATGTTCCTCAAAGATCATTTGTTGCCCAACACTGGGTTGCTGA-3'

ClinVar aggregate classification (germline): Uncertain significance. Review status: criteria provided, single submitter (1 of 4 stars). 2 submissions from 2 submitters: Uncertain significance (1). 1 of the submissions does not count toward it. Last evaluated 2025-08-18.

Conditions:
FN1-related disorder. Also called: FN1-related condition.

Submissions (2):

Labcorp Genetics (formerly Invitae), Labcorp
Classification: Uncertain significance. Last evaluated: 2025-08-18. Review status: criteria provided, single submitter. Criteria: Invitae Variant Classification Sherloc (09022015). Collection method: clinical testing. Allele origin: germline.
Comment: This sequence change creates a premature translational stop signal (p.Pro2153delinsTyrAla*) in the FN1 gene. It is expected to result in an absent or disrupted protein product. However, the current clinical and genetic evidence is not sufficient to establish whether loss-of-function variants in FN1 cause disease. This variant is not present in population databases (gnomAD no frequency). This variant has not been reported in the literature in individuals affected with FN1-related conditions. ClinVar contains an entry for this variant (Variation ID: 2754001). In summary, the available evidence is currently insufficient to determine the role of this variant in disease. Therefore, it has been classified as a Variant of Uncertain Significance.

PreventionGenetics, part of Exact Sciences
Classification: Uncertain significance for FN1-related condition. Last evaluated: 2023-11-20. Review status: no assertion criteria provided. Collection method: clinical testing. Allele origin: germline. Not counted in ClinVar's aggregate classification.
Comment: The FN1 c.6456_6458delinsTTATGCCTAAAGTGGTTTTAG variant is predicted to result in an in-frame deletion and insertion. To our knowledge, this variant has not been reported in the literature or in a large population database, indicating this variant is rare. Although this variant leads to protein truncation, loss of function has not been well established as a mechanism of FN1-related disease (Human Gene Mutation Database). Although we suspect that this variant may be pathogenic, at this time, the clinical significance of this variant is uncertain due to the absence of conclusive functional and genetic evidence.